The following is an entry in ClinVar:

ClinVar aggregate classification (germline): Uncertain significance (1 of 4 stars; one submission).

Conditions:
Autoimmune lymphoproliferative syndrome type 2A (ALPS2A). Also called: CASP10-Related Autoimmune Lymphoproliferative Syndrome; AUTOIMMUNE LYMPHOPROLIFERATIVE SYNDROME, TYPE IIA; Autoimmune lymphoproliferative syndrome type 2. Identifiers: Orphanet 3261, MedGen C1858968, MONDO:0011383, OMIM 603909.

Submission:

Labcorp Genetics (formerly Invitae), Labcorp
Classification: Uncertain significance for Autoimmune lymphoproliferative syndrome type 2A. Last evaluated: 2023-05-11. Review status: criteria provided, single submitter. Criteria: Invitae Variant Classification Sherloc (09022015). Collection method: clinical testing. Allele origin: germline.
Comment: This sequence change replaces serine, which is neutral and polar, with glycine, which is neutral and non-polar, at codon 488 of the CASP10 protein (p.Ser488Gly). This variant is not present in population databases (gnomAD no frequency). This variant has not been reported in the literature in individuals affected with CASP10-related conditions. An algorithm developed to predict the effect of missense changes on protein structure and function (PolyPhen-2) suggests that this variant is likely to be disruptive. Algorithms developed to predict the effect of sequence changes on RNA splicing suggest that this variant may disrupt the consensus splice site. In summary, the available evidence is currently insufficient to determine the role of this variant in disease. Therefore, it has been classified as a Variant of Uncertain Significance.

NM_032977.4(CASP10):c.1462A>G (p.Ser488Gly)

Gene: CASP10 (caspase 10; plus strand). Cytogenetic location: 2q33.1.
Variant type: single nucleotide variant.
Coding change: c.1462A>G on transcript NM_032977.4 (MANE Select); coding-DNA position 1462, A replaced by G.
Protein change: p.Ser488Gly; replaces serine 488 with glycine.
Molecular consequence: missense variant. On other transcripts: 3 prime UTR variant (1), intron variant (2).
Genome position (GRCh38, 1-based): chr2:201,217,634, A>G. VCF-style: chr2-201217634-A-G. GRCh37 (hg19) VCF-style: chr2-202082357-A-G.
Other names: c.1261A>G, p.Ser421Gly (NM_001206524.2); c.1333A>G, p.Ser445Gly (NM_001230.5); c.*548A>G (NM_032976.4); c.1415+8072A>G (NM_032974.5); c.1286+8072A>G (NM_001206542.2); short protein forms S445G, S488G, S421G.
Identifiers: ClinVar variation 2944209 (VCV002944209.3), dbSNP rs2469471004, ClinGen allele CA350296611.